The following is an entry in ClinVar:

NM_000214.3(JAG1):c.147G>C (p.Leu49=)

Gene: JAG1 (jagged canonical Notch ligand 1; minus strand). Cytogenetic location: 20p12.2.
Variant type: single nucleotide variant.
Coding change: c.147G>C on transcript NM_000214.3 (MANE Select); coding-DNA position 147, G replaced by C.
Protein change: p.Leu49=; no amino-acid change (leucine 49 retained).
Molecular consequence: synonymous variant.
Genome position (GRCh38, 1-based): chr20:10,672,941, C>G on the plus strand (G>C on the coding strand, the complement: JAG1 is on the minus strand). VCF-style: chr20-10672941-C-G. GRCh37 (hg19) VCF-style: chr20-10653589-C-G.
Identifiers: ClinVar variation 3573419 (VCV003573419.2).
Genomic context (GRCh38, chr20:10,672,941, plus strand): 5'-GTCGCGGGTGCACTTGCGGTCTCCCGGGTTCCGGGCGCCGCCGCAGCAGTTCCCGTTCTG[C>G]AGCTCCCCGTTCACGTTCTGCATGGACAGGATCTCCAACTCGAACTGACCCGAGGCCCCA-3'
Protein context (NP_000205.1, residues 39-59): ILSMQNVNGE[Leu49=]QNGNCCGGAR

Conditions:
Arteriohepatic dysplasia. Also called: Alagille Syndrome. Identifiers: Orphanet 52, MedGen C0085280, MeSH D016738, MONDO:0007318.

Submission:

Gilbert/Spinner Lab, Children's Hospital of Philadelphia
No classification provided (evidence only). Condition: Alagille syndrome. Review status: no classification provided. Collection method: research. Allele origin: not applicable. Functional consequence: functionally_abnormal.
ClinVar note: "not provided" was previously submitted as the classification for the variant. However, the classification appeared to be based only on an observation of functional data so it was converted to no classification on 2025-07-30.